The following is an entry in ClinVar:

NM_005573.4(LMNB1):c.1563G>A (p.Trp521Ter)

Gene: LMNB1 (lamin B1; plus strand). Cytogenetic location: 5q23.2.
Variant type: single nucleotide variant.
Coding change: c.1563G>A on transcript NM_005573.4 (MANE Select); coding-DNA position 1563, G replaced by A.
Protein change: p.Trp521Ter; replaces tryptophan 521 with a stop codon.
Molecular consequence: nonsense. On other transcripts: non-coding transcript variant (1).
Genome position (GRCh38, 1-based): chr5:126,826,059, G>A. VCF-style: chr5-126826059-G-A. GRCh37 (hg19) VCF-style: chr5-126161751-G-A.
Other names: c.933G>A, p.Trp311Ter (NM_001198557.2); short protein forms W311*, W521*.
Identifiers: ClinVar variation 2018346 (VCV002018346.4), dbSNP rs2479560751, ClinGen allele CA360729685.

ClinVar aggregate classification (germline): Uncertain significance (1 of 4 stars; one submission).

Submission:

Labcorp Genetics (formerly Invitae), Labcorp
Classification: Uncertain significance. Last evaluated: 2022-09-02. Review status: criteria provided, single submitter. Criteria: Invitae Variant Classification Sherloc (09022015). Collection method: clinical testing. Allele origin: germline.
Comment: This variant is not present in population databases (gnomAD no frequency). This sequence change creates a premature translational stop signal (p.Trp521*) in the LMNB1 gene. It is expected to result in an absent or disrupted protein product. However, the current clinical and genetic evidence is not sufficient to establish whether loss-of-function variants in LMNB1 cause disease. This variant has not been reported in the literature in individuals affected with LMNB1-related conditions. In summary, the available evidence is currently insufficient to determine the role of this variant in disease. Therefore, it has been classified as a Variant of Uncertain Significance. Experimental studies and prediction algorithms are not available or were not evaluated, and the functional significance of this variant is currently unknown.